The following is an entry in ClinVar:

ClinVar aggregate classification (germline): Uncertain significance (1 of 4 stars; one submission).

Conditions:
Hereditary cancer-predisposing syndrome. Also called: Hereditary Cancer Syndrome; Tumor predisposition; Neoplastic Syndromes, Hereditary; Hereditary neoplastic syndrome. Identifiers: Orphanet 140162, MedGen C0027672, MeSH D009386, MONDO:0015356.

Submission:

Ambry Genetics
Classification: Uncertain significance for Hereditary cancer-predisposing syndrome. Last evaluated: 2026-02-17. Review status: criteria provided, single submitter. Criteria: Ambry Variant Classification Scheme 2023. Collection method: clinical testing. Allele origin: germline.
Comment: The c.904+4A>C intronic variant results from an A to C substitution 4 nucleotides after coding exon 6 in the FH gene. This nucleotide position is not well conserved in available vertebrate species. In silico splice site analysis predicts that this alteration will not have any significant effect on splicing. Based on the available evidence, the clinical significance of this variant remains unclear.

NM_000143.4(FH):c.904+4A>C

Gene: FH (fumarate hydratase; minus strand). Cytogenetic location: 1q43.
Variant type: single nucleotide variant.
Coding change: c.904+4A>C on transcript NM_000143.4 (MANE Select); 4 bases into the intron after coding-DNA position 904, A replaced by C.
Molecular consequence: intron variant.
Genome position (GRCh38, 1-based): chr1:241,505,999, T>G on the plus strand (A>C on the coding strand, the complement: FH is on the minus strand). VCF-style: chr1-241505999-T-G. GRCh37 (hg19) VCF-style: chr1-241669299-T-G.
Identifiers: ClinVar variation 822936 (VCV000822936.5), dbSNP rs1573881535, ClinGen allele CA915942103.